The following is an entry in ClinVar:

NM_001849.4(COL6A2):c.148G>A (p.Val50Met)

Gene: COL6A2 (collagen type VI alpha 2 chain; plus strand). Cytogenetic location: 21q22.3.
Variant type: single nucleotide variant.
Coding change: c.148G>A on transcript NM_001849.4 (MANE Select); coding-DNA position 148, G replaced by A.
Protein change: p.Val50Met; replaces valine 50 with methionine.
Molecular consequence: missense variant.
Genome position (GRCh38, 1-based): chr21:46,112,011, G>A. VCF-style: chr21-46112011-G-A. GRCh37 (hg19) VCF-style: chr21-47531925-G-A.
Other names: c.148G>A, p.Val50Met (NM_058174.3, NM_058175.3); short protein forms V50M.
Identifiers: ClinVar variation 162531 (VCV000162531.8), dbSNP rs727502826, ClinGen allele CA295261.
Genomic context (GRCh38, chr21:46,112,011, plus strand): 5'-GGCTCGTGACAGGTCCTGTGCCCCACAGAGAAGACCGACTGCCCCATCCACGTGTACTTC[G>A]TGCTGGACACCTCGGAGAGCGTCACCATGCAGTCCCCCACGGACATCCTGCTCTTCCACA-3'
Protein context (NP_001840.3, residues 40-60): KTDCPIHVYF[Val50Met]LDTSESVTMQ

ClinVar aggregate classification (germline): Uncertain significance. Review status: criteria provided, multiple submitters, no conflicts (2 of 4 stars). 3 submissions from 2 submitters: Uncertain significance (3). Last evaluated 2024-05-08.

Conditions:
Bethlem myopathy 1A. Also called: Bethlem Muscular Dystrophy; MYOPATHY, BENIGN CONGENITAL, WITH CONTRACTURES; Bethlem myopathy 1. Identifiers: Orphanet 610, MedGen CN029274, MONDO:0024530, OMIM 158810.
Ullrich congenital muscular dystrophy 1A. Also called: Intermediate COL6-RD; Ullrich congenital muscular dystrophy 1. Identifiers: Orphanet 75840, MedGen C0410179, MONDO:0009681, OMIM 254090.

Allele frequency attached by ClinVar (database versions not stated): gnomAD below 0.00001 and 0.00001; ExAC 0.00001; gnomAD exomes 0.00001; TOPMed 0.00001.
gnomAD v4.1: 15 of 1,612,510 alleles (0.00093%); highest among the groups gnomAD compares: South Asian, 0.0022%; no homozygotes.

Submissions (3):

Labcorp Genetics (formerly Invitae), Labcorp
Classification: Uncertain significance for Bethlem myopathy 1A. Last evaluated: 2024-05-08. Review status: criteria provided, single submitter. Criteria: Invitae Variant Classification Sherloc (09022015). Collection method: clinical testing. Allele origin: germline.
Comment: This sequence change replaces valine, which is neutral and non-polar, with methionine, which is neutral and non-polar, at codon 50 of the COL6A2 protein (p.Val50Met). This variant is present in population databases (rs727502826, gnomAD 0.003%). This variant has not been reported in the literature in individuals affected with COL6A2-related conditions. ClinVar contains an entry for this variant (Variation ID: 162531). Advanced modeling of protein sequence and biophysical properties (such as structural, functional, and spatial information, amino acid conservation, physicochemical variation, residue mobility, and thermodynamic stability) performed at Invitae indicates that this missense variant is expected to disrupt COL6A2 protein function with a positive predictive value of 80%. In summary, the available evidence is currently insufficient to determine the role of this variant in disease. Therefore, it has been classified as a Variant of Uncertain Significance.

Genomic Research Center, Shahid Beheshti University of Medical Sciences
Classification: Uncertain significance for Ullrich congenital muscular dystrophy 1A. Last evaluated: 2018-03-05. Review status: criteria provided, single submitter. Criteria: ACMG Guidelines, 2015. Collection method: clinical testing. Allele origin: inherited. Affected: no. Observed: 1 variant allele.

Genomic Research Center, Shahid Beheshti University of Medical Sciences
Classification: Uncertain significance for Bethlem myopathy 1A. Last evaluated: 2018-03-05. Review status: criteria provided, single submitter. Criteria: ACMG Guidelines, 2015. Collection method: clinical testing. Allele origin: inherited. Affected: no. Observed: 1 variant allele.